The following is an entry in ClinVar:

ClinVar aggregate classification (germline): Uncertain significance (1 of 4 stars; one submission).

gnomAD v4.1: 1 of 1,606,082 alleles (0.000062%); highest among the groups gnomAD compares: Admixed American, 0.0017%; no homozygotes.

Submission:

GeneDx
Classification: Uncertain significance. Last evaluated: 2024-07-12. Review status: criteria provided, single submitter. Criteria: GeneDx Variant Classification Process June 2021. Collection method: clinical testing. Allele origin: germline. Affected: yes.
Comment: Not observed at significant frequency in large population cohorts (gnomAD); In silico analysis supports that this missense variant has a deleterious effect on protein structure/function; Has not been previously published as pathogenic or benign to our knowledge

NM_002430.3(MN1):c.1352T>A (p.Met451Lys)

Gene: MN1 (MN1 proto-oncogene, transcriptional regulator; minus strand). Cytogenetic location: 22q12.1.
Variant type: single nucleotide variant.
Coding change: c.1352T>A on transcript NM_002430.3 (MANE Select); coding-DNA position 1352, T replaced by A.
Protein change: p.Met451Lys; replaces methionine 451 with lysine.
Molecular consequence: missense variant.
Genome position (GRCh38, 1-based): chr22:27,799,192, A>T on the plus strand (T>A on the coding strand, the complement: MN1 is on the minus strand). VCF-style: chr22-27799192-A-T. GRCh37 (hg19) VCF-style: chr22-28195180-A-T.
Other names: short protein forms M451K.
Identifiers: ClinVar variation 3572535 (VCV003572535.1).